The following is an entry in ClinVar:

NM_003072.5(SMARCA4):c.4477G>T (p.Glu1493Ter)

Gene: SMARCA4 (SWI/SNF related BAF chromatin remodeling complex subunit ATPase 4; plus strand). Cytogenetic location: 19p13.2.
Variant type: single nucleotide variant.
Coding change: c.4477G>T on transcript NM_003072.5 (MANE Select); coding-DNA position 4477, G replaced by T.
Protein change: p.Glu1493Ter; replaces glutamic acid 1493 with a stop codon.
Molecular consequence: nonsense. On other transcripts: non-coding transcript variant (1).
Genome position (GRCh38, 1-based): chr19:11,058,307, G>T. VCF-style: chr19-11058307-G-T. GRCh37 (hg19) VCF-style: chr19-11168983-G-T.
Other names: c.4477G>T, p.Glu1493Ter (NM_001128844.3); c.4387G>T, p.Glu1463Ter (NM_001128845.2); c.4384G>T, p.Glu1462Ter (NM_001128846.2); c.4378G>T, p.Glu1460Ter (NM_001128847.4, NM_001374457.1); c.4375G>T, p.Glu1459Ter (NM_001128848.2); c.4573G>T, p.Glu1525Ter (NM_001128849.3, NM_001387283.1); c.4474G>T, p.Glu1492Ter (NM_001411150.1); short protein forms E1463*, E1525*, E1460*, E1493*, E1459*, E1462*, E1492*.
Identifiers: ClinVar variation 1741581 (VCV001741581.2), dbSNP rs2147086568, ClinGen allele CA404077597.
Genomic context (GRCh38, chr19:11,058,307, plus strand): 5'-CCTTGCAGCAGCAGTGGACGTCAGCTCAGCGAGGTCTTCATCCAGCTGCCCTCGCGAAAG[G>T]AGCTGCCCGAGTACTACGAGCTCATCCGCAAGCCCGTGGACTTCAAGAAGATAAAGGTAA-3'

ClinVar aggregate classification (germline): Pathogenic (1 of 4 stars; one submission).

Conditions:
Hereditary cancer-predisposing syndrome. Also called: Hereditary Cancer Syndrome; Hereditary neoplastic syndrome; Neoplastic Syndromes, Hereditary; Tumor predisposition. Identifiers: Orphanet 140162, MedGen C0027672, MeSH D009386, MONDO:0015356.

Submission:

Ambry Genetics
Classification: Pathogenic for Hereditary cancer-predisposing syndrome. Last evaluated: 2021-12-13. Review status: criteria provided, single submitter. Criteria: Ambry Variant Classification Scheme 2023. Collection method: clinical testing. Allele origin: germline.
Comment: The p.E1525* pathogenic mutation (also known as c.4573G>T), located in coding exon 31 of the SMARCA4 gene, results from a G to T substitution at nucleotide position 4573. This changes the amino acid from a glutamic acid to a stop codon within coding exon 31. Loss-of-function variants in SMARCA4 are known to cause rhabdoid tumor predisposition syndrome including small cell carcinoma of the ovary-hypercalcemic type (SCCOHT); however, such associations with neurodevelopmental disorders are exceedingly rare (Kosho T et al. Am J Med Genet C Semin Med Genet. 2014 Sep;166C(3):262-75; Jelinic P et al. Nat Genet. 2014 May;46(5):424-6). Based on the supporting evidence, this alteration is pathogenic for rhabdoid tumor predisposition syndrome; however, the association of this alteration with Coffin-Siris syndrome is unlikely.

Literature cited by the submitters: PubMed 26556299.